The following is an entry in ClinVar:

NM_000284.4(PDHA1):c.593C>T (p.Ala198Val)

Gene: PDHA1 (pyruvate dehydrogenase E1 subunit alpha 1; plus strand). Cytogenetic location: Xp22.12.
Variant type: single nucleotide variant.
Coding change: c.593C>T on transcript NM_000284.4 (MANE Select); coding-DNA position 593, C replaced by T.
Protein change: p.Ala198Val; replaces alanine 198 with valine.
Molecular consequence: missense variant. On other transcripts: intron variant (1).
Genome position (GRCh38, 1-based): chrX:19,354,573, C>T. VCF-style: chrX-19354573-C-T. GRCh37 (hg19) VCF-style: chrX-19372691-C-T.
Other names: c.707C>T, p.Ala236Val (NM_001173454.2); c.614C>T, p.Ala205Val (NM_001173455.2); c.511-776C>T (NM_001173456.2); short protein forms A198V, A205V, A236V.
Identifiers: ClinVar variation 4070342 (VCV004070342.1).
Genomic context (GRCh38, chrX:19,354,573, plus strand): 5'-CTCTAGCCTGTAAGTATAATGGAAAAGATGAGGTCTGCCTGACTTTATATGGCGATGGTG[C>T]TGCTAACCAGGTAATTATGTCTCTTAACTTCCCAAAAACAGTCTTATTTTCAAAGTCTTT-3'
Protein context (NP_000275.1, residues 188-208): EVCLTLYGDG[Ala198Val]ANQGQIFEAY

ClinVar aggregate classification (germline): Likely pathogenic (0 of 4 stars; one submission).

Conditions:
Pyruvate dehydrogenase E1-alpha deficiency (PDHAD). Also called: ATAXIA, INTERMITTENT, WITH PYRUVATE DEHYDROGENASE DEFICIENCY; ATAXIA WITH LACTIC ACIDOSIS I; ATAXIA, INTERMITTENT, WITH ABNORMAL PYRUVATE METABOLISM; Ataxia, intermittent, with pyruvate dehydrogenase, or decarboxylase, deficiency. Identifiers: Orphanet 79243, MedGen C1839413, MONDO:0010717, OMIM 312170.

Submission:

PDHA1 Study Group, University Children’s Hospital, Paracelsus Medical University
Classification: Likely pathogenic for Pyruvate dehydrogenase E1-alpha deficiency. Last evaluated: 2024-10-15. Review status: no assertion criteria provided. Collection method: research. Allele origin: germline. Affected: yes. Observed: 1 variant allele.
Comment: The NM_000284.3:c.593C>T (p.Ala198Val) substitution is a missense variant in PDHA1 gene. Last literature search: July 12, 2024. This variant is absent or extremely rare in population-based cohorts in the Genome Aggregation Database (gnomAD). Individuals harboring this variant presented with clinical features compatible with PDHA1-related PDHc deficiency. In summary, this variant meets criteria to be classified as likely pathogenic (LP) for PDHA1-related PDHc deficiency based on the ACMG/AMP criteria applied: PS3, PM2, PM7, PP3 (last assessment October 15, 2024).

Literature cited by the submitters: DOI 10.1093/brain/awaf430.